The following is an entry in ClinVar:

ClinVar aggregate classification (germline): Uncertain significance (1 of 4 stars; one submission).

Submission:

Labcorp Genetics (formerly Invitae), Labcorp
Classification: Uncertain significance. Last evaluated: 2023-08-14. Review status: criteria provided, single submitter. Criteria: Invitae Variant Classification Sherloc (09022015). Collection method: clinical testing. Allele origin: unknown.
Comment: This variant has not been reported in the literature in individuals affected with DOCK8-related conditions. In summary, the available evidence is currently insufficient to determine the role of this variant in disease. Therefore, it has been classified as a Variant of Uncertain Significance. Experimental studies and prediction algorithms are not available or were not evaluated, and the functional significance of this variant is currently unknown. This variant results in a copy number gain of the genomic region encompassing exon(s) 2-46 of the DOCK8 gene. While the exact position of this variant cannot be determined from the data, sub-genic copy number gains are generally in tandem (PMID: 25640679). This variant is predicted to be in-frame, and likely preserves the integrity of the reading frame.

Literature cited by the submitters: PubMed 25640679.

NC_000009.11:g.(?_271607)_(452137_?)dup

Gene: DOCK8 (dedicator of cytokinesis 8; plus strand). Cytogenetic location: 9p24.3.
Variant type: Duplication.
Identifiers: ClinVar variation 3245222 (VCV003245222.1).